The following is an entry in ClinVar:

NM_015214.3(DDHD2):c.1877C>G (p.Ser626Ter)

Gene: DDHD2 (DDHD domain containing 2; plus strand). Cytogenetic location: 8p11.23.
Variant type: single nucleotide variant.
Coding change: c.1877C>G on transcript NM_015214.3 (MANE Select); coding-DNA position 1877, C replaced by G.
Protein change: p.Ser626Ter; replaces serine 626 with a stop codon.
Molecular consequence: nonsense. On other transcripts: non-coding transcript variant (2).
Genome position (GRCh38, 1-based): chr8:38,253,113, C>G. VCF-style: chr8-38253113-C-G. GRCh37 (hg19) VCF-style: chr8-38110631-C-G.
Other names: c.1877C>G, p.Ser626Ter (NM_001164232.2, NM_001362911.2, NM_001362912.2 and 1 more transcripts); c.1787C>G, p.Ser596Ter (NM_001362913.2); short protein forms S626*, S596*.
Identifiers: ClinVar variation 2275961 (VCV002275961.2), dbSNP rs1563312884, ClinGen allele CA370695769.

ClinVar aggregate classification (germline): Pathogenic (1 of 4 stars; one submission).

Conditions:
Inborn genetic diseases. Identifiers: MedGen C0950123, MeSH D030342.

gnomAD v4.1: 2 of 1,613,772 alleles (0.00012%); highest among the groups gnomAD compares: Non-Finnish European, 0.00017%; no homozygotes.

Submission:

Ambry Genetics
Classification: Pathogenic for Inborn genetic diseases. Last evaluated: 2022-03-15. Review status: criteria provided, single submitter. Criteria: Ambry Variant Classification Scheme 2023. Collection method: clinical testing. Allele origin: germline.
Comment: The c.1877C>G (p.S626*) alteration, located in exon 15 (coding exon 14) of the DDHD2 gene, consists of a C to G substitution at nucleotide position 1877. This changes the amino acid from a serine (S) to a stop codon at amino acid position 626. This alteration is expected to result in loss of function by premature protein truncation or nonsense-mediated mRNA decay. Based on data from gnomAD, the G allele has an overall frequency of <0.01% (1/250026) total alleles studied. Based on the available evidence, this alteration is classified as pathogenic.